The following is an entry in ClinVar:

ClinVar aggregate classification (germline): Uncertain significance (1 of 4 stars; one submission).

Allele frequency attached by ClinVar (database versions not stated): TOPMed 0.00001.
gnomAD v4.1: 1 of 1,610,878 alleles (0.000062%); highest among the groups gnomAD compares: Non-Finnish European, 0.000085%; no homozygotes.

Submission:

Labcorp Genetics (formerly Invitae), Labcorp
Classification: Uncertain significance. Last evaluated: 2024-12-02. Review status: criteria provided, single submitter. Criteria: Invitae Variant Classification Sherloc (09022015). Collection method: clinical testing. Allele origin: germline.
Comment: This sequence change replaces proline, which is neutral and non-polar, with threonine, which is neutral and polar, at codon 297 of the MMP14 protein (p.Pro297Thr). This variant is not present in population databases (gnomAD no frequency). This variant has not been reported in the literature in individuals affected with MMP14-related conditions. ClinVar contains an entry for this variant (Variation ID: 2016913). An algorithm developed to predict the effect of missense changes on protein structure and function (PolyPhen-2) suggests that this variant is likely to be disruptive. In summary, the available evidence is currently insufficient to determine the role of this variant in disease. Therefore, it has been classified as a Variant of Uncertain Significance.

NM_004995.4(MMP14):c.889C>A (p.Pro297Thr)

Gene: MMP14 (matrix metallopeptidase 14; plus strand). Cytogenetic location: 14q11.2.
Variant type: single nucleotide variant.
Coding change: c.889C>A on transcript NM_004995.4 (MANE Select); coding-DNA position 889, C replaced by A.
Protein change: p.Pro297Thr; replaces proline 297 with threonine.
Molecular consequence: missense variant.
Genome position (GRCh38, 1-based): chr14:22,843,748, C>A. VCF-style: chr14-22843748-C-A. GRCh37 (hg19) VCF-style: chr14-23312957-C-A.
Other names: short protein forms P297T.
Identifiers: ClinVar variation 2016913 (VCV002016913.4), dbSNP rs1240321412, ClinGen allele CA388931270.